The following is an entry in ClinVar:

NM_007294.4(BRCA1):c.4103C>T (p.Ala1368Val)

Gene: BRCA1 (BRCA1 DNA repair associated; minus strand). Cytogenetic location: 17q21.31.
Variant type: single nucleotide variant.
Coding change: c.4103C>T on transcript NM_007294.4 (MANE Select); coding-DNA position 4103, C replaced by T.
Protein change: p.Ala1368Val; replaces alanine 1368 with valine.
Molecular consequence: missense variant. On other transcripts: non-coding transcript variant (1).
Genome position (GRCh38, 1-based): chr17:43,091,026, G>A on the plus strand (C>T on the coding strand, the complement: BRCA1 is on the minus strand). VCF-style: chr17-43091026-G-A. GRCh37 (hg19) VCF-style: chr17-41243043-G-A.
Other names: c.3890C>T, p.Ala1297Val (NM_001407853.1, NM_001407894.1, NM_001407895.1 and 9 more transcripts); c.3893C>T, p.Ala1298Val (NM_001407881.1, NM_001407882.1, NM_001407884.1 and 13 more transcripts); c.3980C>T, p.Ala1327Val (NM_001407919.1, NM_001407937.1, NM_001407938.1 and 19 more transcripts); c.3839C>T, p.Ala1280Val (NM_001407920.1, NM_001407921.1, NM_001407933.1 and 9 more transcripts); c.3836C>T, p.Ala1279Val (NM_001407932.1, NM_001407934.1, NM_001407936.1 and 2 more transcripts); c.3977C>T, p.Ala1326Val (NM_001407940.1, NM_001407941.1, NM_001407649.1 and 11 more transcripts); c.3770C>T, p.Ala1257Val (NM_001407951.1, NM_001407952.1, NM_001407953.1 and 6 more transcripts); c.3767C>T, p.Ala1256Val (NM_001407954.1, NM_001407955.1, NM_001407956.1 and 1 more transcripts); and 40 more; short protein forms A1321V, A1368V, A265V, A1257V, A1298V, A1300V, A1326V, A1367V.
Identifiers: ClinVar variation 824595 (VCV000824595.15), dbSNP rs1385360559, ClinGen allele CA10593516.

ClinVar aggregate classification (germline): Uncertain significance. Review status: criteria provided, multiple submitters, no conflicts (2 of 4 stars). 5 submissions from 5 submitters: Uncertain significance (5). Last evaluated 2025-06-17.

Conditions:
Hereditary cancer-predisposing syndrome. Also called: Hereditary Cancer Syndrome; Hereditary neoplastic syndrome; Neoplastic Syndromes, Hereditary; Tumor predisposition. Identifiers: Orphanet 140162, MedGen C0027672, MeSH D009386, MONDO:0015356.
Hereditary breast ovarian cancer syndrome. Also called: BRCA1- and BRCA2-Associated Hereditary Breast and Ovarian Cancer; Hereditary breast and ovarian cancer syndrome (HBOC); Hereditary breast and ovarian cancer syndrome; Breast and ovarian cancer; Hereditary breast and ovarian cancer; Hereditary breast and/or ovarian cancer syndrome. Identifiers: Orphanet 145, MedGen C0677776, MeSH D061325, MONDO:0003582. Disease mechanism: loss of function.
Breast-ovarian cancer, familial, susceptibility to, 1 (BROVCA1). Also called: OVARIAN CANCER, SUSCEPTIBILITY TO; BRCA1 Hereditary Breast and Ovarian Cancer. Identifiers: Orphanet 145, MedGen C2676676, MONDO:0011450, OMIM 604370. Disease mechanism: loss of function.

Allele frequency attached by ClinVar (database versions not stated): TOPMed below 0.00001; gnomAD 0.00001; gnomAD exomes 0.00001.
gnomAD v4.1: 7 of 1,611,848 alleles (0.00043%); highest among the groups gnomAD compares: South Asian, 0.0066%; no homozygotes.

Submissions (5):

Color Diagnostics, LLC DBA Color Health
Classification: Uncertain significance for Hereditary cancer-predisposing syndrome. Last evaluated: 2025-06-17. Review status: criteria provided, single submitter. Criteria: ACMG Guidelines, 2015. Collection method: clinical testing. Allele origin: germline.
Comment: This missense variant replaces alanine with valine at codon 1368 of the BRCA1 protein. Computational prediction is inconclusive regarding the impact of this variant on protein structure and function. This variant has been reported to be likely benign based on a multifactorial analysis using tumor pathology data and based on a DNA methylation profiling study (PMID: 31131967, 26727311). This variant has not been reported in individuals affected with hereditary cancer in the literature. This variant has been identified in 2/247322 chromosomes in the general population by the Genome Aggregation Database (gnomAD). The available evidence is insufficient to determine the role of this variant in disease conclusively. Therefore, this variant is classified as a Variant of Uncertain Significance.

Labcorp Genetics (formerly Invitae), Labcorp
Classification: Uncertain significance for Hereditary breast ovarian cancer syndrome. Last evaluated: 2024-12-02. Review status: criteria provided, single submitter. Criteria: Invitae Variant Classification Sherloc (09022015). Collection method: clinical testing. Allele origin: germline.
Comment: This sequence change replaces alanine, which is neutral and non-polar, with valine, which is neutral and non-polar, at codon 1368 of the BRCA1 protein (p.Ala1368Val). This variant is present in population databases (no rsID available, gnomAD 0.007%). This missense change has been observed in individual(s) with non-medullary thyroid cancer (PMID: 26530882). ClinVar contains an entry for this variant (Variation ID: 824595). Invitae Evidence Modeling of protein sequence and biophysical properties (such as structural, functional, and spatial information, amino acid conservation, physicochemical variation, residue mobility, and thermodynamic stability) indicates that this missense variant is not expected to disrupt BRCA1 protein function with a negative predictive value of 80%. In summary, the available evidence is currently insufficient to determine the role of this variant in disease. Therefore, it has been classified as a Variant of Uncertain Significance.

Ambry Genetics
Classification: Uncertain significance for Hereditary cancer-predisposing syndrome. Last evaluated: 2024-05-22. Review status: criteria provided, single submitter. Criteria: Ambry Variant Classification Scheme 2023. Collection method: clinical testing. Allele origin: germline.
Comment: The p.A1368V variant (also known as c.4103C>T), located in coding exon 10 of the BRCA1 gene, results from a C to T substitution at nucleotide position 4103. The alanine at codon 1368 is replaced by valine, an amino acid with similar properties. This amino acid position is not well conserved in available vertebrate species. In addition, the in silico prediction for this alteration is inconclusive. Since supporting evidence is limited at this time, the clinical significance of this alteration remains unclear.

Baylor Genetics
Classification: Uncertain significance for Breast-ovarian cancer, familial, susceptibility to, 1. Last evaluated: 2023-11-30. Review status: criteria provided, single submitter. Criteria: ACMG Guidelines, 2015. Collection method: clinical testing. Allele origin: unknown.

Sema4
Classification: Uncertain significance for Hereditary cancer-predisposing syndrome. Last evaluated: 2022-03-20. Review status: criteria provided, single submitter. Criteria: Sema4 Curation Guidelines. Collection method: curation. Allele origin: germline.
Comment: The BRCA1 c.4103C>T (p.A1368V) variant has been reported in heterozygosity in at least two individuals with breast or thyroid cancer (PMID: 26727311, 26530882). This variant was observed in 2/29988 chromosomes in the South Asian population according to the Genome Aggregation Database (PMID: 32461654). The variant has been reported in ClinVar (Variation ID: 824595). A multifactorial likelihood analysis and DNA methylation study suggest this variant is likely benign (PMID: 31131967, 26727311). In addition, alanine at position 1368 is moderately conserved, though valine amino acid residue is found in several mammalian species, raising the possibility that this change might be tolerated. In silico predictions of the variant's effect on protein function are inconclusive. There is no indication that this variant causes disease, but the evidence is insufficient currently to prove that conclusively. Thus, the clinical significance of this variant is currently uncertain.

Literature cited by the submitters: PubMed 26727311 (cited by Color Diagnostics, LLC DBA Color Health and Sema4); PubMed 31131967 (cited by Color Diagnostics, LLC DBA Color Health and Sema4); PubMed 26530882 (cited by Labcorp Genetics (formerly Invitae), Labcorp and Sema4).